The following is an entry in ClinVar:

ClinVar aggregate classification (germline): Likely pathogenic (1 of 4 stars; one submission).

Conditions:
TRAPPC6B-related disorder. Also called: TRAPPC6B-related condition.

Submission:

PreventionGenetics, part of Exact Sciences
Classification: Likely pathogenic for TRAPPC6B-related condition. Last evaluated: 2023-04-13. Review status: criteria provided, single submitter. Criteria: ACMG Guidelines, 2015. Collection method: clinical testing. Allele origin: germline.
Comment: The TRAPPC6B c.37G>T variant is predicted to result in premature protein termination (p.Glu13*). To our knowledge, this variant has not been reported in the literature or in a large population database, indicating this variant is rare. Nonsense variants in TRAPPC6B are expected to be pathogenic. This variant is interpreted as likely pathogenic.

NM_001079537.2(TRAPPC6B):c.37G>T (p.Glu13Ter)

Gene: TRAPPC6B (trafficking protein particle complex subunit 6B; minus strand). Cytogenetic location: 14q21.1.
Variant type: single nucleotide variant.
Coding change: c.37G>T on transcript NM_001079537.2 (MANE Select); coding-DNA position 37, G replaced by T.
Protein change: p.Glu13Ter; replaces glutamic acid 13 with a stop codon.
Molecular consequence: nonsense.
Genome position (GRCh38, 1-based): chr14:39,170,059, C>A on the plus strand (G>T on the coding strand, the complement: TRAPPC6B is on the minus strand). VCF-style: chr14-39170059-C-A. GRCh37 (hg19) VCF-style: chr14-39639263-C-A.
Other names: c.37G>T, p.Glu13Ter (NM_177452.4); short protein forms E13*.
Identifiers: ClinVar variation 2633401 (VCV002633401.1), dbSNP rs2053152483, ClinGen allele CA389538140.